The following is an entry in ClinVar:

NM_001369.3(DNAH5):c.9886G>A (p.Ala3296Thr)

Gene: DNAH5 (dynein axonemal heavy chain 5; minus strand). Cytogenetic location: 5p15.2.
Variant type: single nucleotide variant.
Coding change: c.9886G>A on transcript NM_001369.3 (MANE Select); coding-DNA position 9886, G replaced by A.
Protein change: p.Ala3296Thr; replaces alanine 3296 with threonine.
Molecular consequence: missense variant.
Genome position (GRCh38, 1-based): chr5:13,768,971, C>T on the plus strand (G>A on the coding strand, the complement: DNAH5 is on the minus strand). VCF-style: chr5-13768971-C-T. GRCh37 (hg19) VCF-style: chr5-13769080-C-T.
Other names: short protein forms A3296T.
Identifiers: ClinVar variation 3704517 (VCV003704517.2).
Genomic context (GRCh38, chr5:13,768,971, plus strand): 5'-CTGCCTCTTAAGCCCTAAAGCTGACATCTGTTATATCACATAGATGCACCTGCAATGCAG[C>T]TTCTGCCTCTTCTAAAGCTGGTTTTGCTGCTTCCAGTTTTTCTTCAGCAATGGCTTTGTC-3'
Protein context (NP_001360.1, residues 3286-3306): AAKPALEEAE[Ala3296Thr]ALQTIRPSDI

ClinVar aggregate classification (germline): Uncertain significance (1 of 4 stars; one submission).

Conditions:
Primary ciliary dyskinesia. Also called: Ciliary dyskinesia. Identifiers: Orphanet 244, MedGen C0008780, MONDO:0016575, HP:0012265.

Submission:

Labcorp Genetics (formerly Invitae), Labcorp
Classification: Uncertain significance for Primary ciliary dyskinesia. Last evaluated: 2024-07-17. Review status: criteria provided, single submitter. Criteria: Invitae Variant Classification Sherloc (09022015). Collection method: clinical testing. Allele origin: germline.
Comment: This sequence change replaces alanine, which is neutral and non-polar, with threonine, which is neutral and polar, at codon 3296 of the DNAH5 protein (p.Ala3296Thr). This variant is not present in population databases (gnomAD no frequency). This variant has not been reported in the literature in individuals affected with DNAH5-related conditions. Advanced modeling of protein sequence and biophysical properties (such as structural, functional, and spatial information, amino acid conservation, physicochemical variation, residue mobility, and thermodynamic stability) performed at Invitae indicates that this missense variant is not expected to disrupt DNAH5 protein function with a negative predictive value of 95%. In summary, the available evidence is currently insufficient to determine the role of this variant in disease. Therefore, it has been classified as a Variant of Uncertain Significance.